The following is an entry in ClinVar:

NM_014285.7(EXOSC2):c.426+367G>T

Gene: EXOSC2 (exosome component 2; plus strand). Cytogenetic location: 9q34.12.
Variant type: single nucleotide variant.
Coding change: c.426+367G>T on transcript NM_014285.7 (MANE Select); 367 bases into the intron after coding-DNA position 426, G replaced by T.
Molecular consequence: intron variant.
Genome position (GRCh38, 1-based): chr9:130,699,761, G>T. VCF-style: chr9-130699761-G-T. GRCh37 (hg19) VCF-style: chr9-133575148-G-T.
Other names: c.426+367G>T (NM_001282708.1); c.336+367G>T (NM_001282709.1).
Identifiers: ClinVar variation 4538283 (VCV004538283.1).

ClinVar aggregate classification (germline): Uncertain significance (1 of 4 stars; one submission).

Submission:

Greenwood Genetic Center Diagnostic Laboratories, Greenwood Genetic Center
Classification: Uncertain significance. Last evaluated: 2025-06-03. Review status: criteria provided, single submitter. Criteria: ACMG Guidelines, 2015. Collection method: clinical testing. Allele origin: germline. Affected: yes.
Comment: PM2